The following is an entry in ClinVar:

NM_000199.5(SGSH):c.1269_1270del (p.Trp423_Tyr424delinsTer)

Gene: SGSH (N-sulfoglucosamine sulfohydrolase; minus strand). Cytogenetic location: 17q25.3.
Variant type: Deletion.
Coding change: c.1269_1270del on transcript NM_000199.5 (MANE Select); coding-DNA positions 1269 to 1270, 2 bases deleted (GT; older notation c.1269_1270delGT).
Protein change: p.Trp423_Tyr424delinsTer.
Molecular consequence: nonsense. On other transcripts: 3 prime UTR variant (2), non-coding transcript variant (1).
Genome position (GRCh38, 1-based): chr17:80,210,691-80,210,692, AC deleted on the plus strand (GT on the coding strand, the reverse complement: SGSH is on the minus strand). VCF-style (leftmost placement, unchanged base first): chr17-80210690-TAC-T. GRCh37 (hg19) VCF-style: chr17-78184489-TAC-T.
Other names: c.*356_*357del (NM_001352921.3); c.*319_*320del (NM_001352922.2).
Identifiers: ClinVar variation 5004220 (VCV005004220.1).

ClinVar aggregate classification (germline): Pathogenic (1 of 4 stars; one submission).

Conditions:
Mucopolysaccharidosis, MPS-III-A (MPS3A). Also called: MUCOPOLYSACCHARIDOSIS, TYPE IIIA, ATTENUATED; SANFILIPPO SYNDROME A; SULFAMIDASE DEFICIENCY; mucopolysaccharidosis type 3A; Mucopolysaccharidosis type IIIA (Sanfilippo A); MPS IIIA (Sanfilippo Syndrome Type A). Identifiers: Orphanet 581, Orphanet 79269, MedGen C0086647, MONDO:0009655, OMIM 252900.

Submission:

Myriad Genetics, Inc.
Classification: Pathogenic for Mucopolysaccharidosis, MPS-III-A. Last evaluated: 2025-10-20. Review status: criteria provided, single submitter. Criteria: Myriad Autosomal Dominant, Autosomal Recessive and X-Linked Classification Criteria (2023). Collection method: clinical testing. Allele origin: unknown.
Comment: NM_000199.3(SGSH):c.1269_1270delGT(W423*) is a nonsense variant classified as pathogenic in the context of mucopolysaccharidosis type IIIA. W423* has not been observed in cases with relevant disease. Relevant functional assessments of this variant are not available in the literature. W423* has not been observed in referenced population frequency databases. In summary, NM_000199.3(SGSH):c.1269_1270delGT(W423*) is a nonsense variant in a gene where loss of function is a known mechanism of disease and is predicted to disrupt protein function. Please note: this variant was assessed in the context of healthy population screening.